The following is an entry in ClinVar:

NM_000264.5(PTCH1):c.2240C>T (p.Pro747Leu)

Genes: PTCH1 (patched 1; minus strand), LOC100507346 (uncharacterized LOC100507346; plus strand). Cytogenetic location: 9q22.32.
Variant type: single nucleotide variant.
Coding change: c.2240C>T on transcript NM_000264.5 (MANE Select); coding-DNA position 2240, C replaced by T.
Protein change: p.Pro747Leu; replaces proline 747 with leucine.
Molecular consequence: missense variant. On other transcripts: non-coding transcript variant (2).
Genome position (GRCh38, 1-based): chr9:95,468,761, G>A on the plus strand (C>T on the coding strand, the complement: PTCH1 is on the minus strand). VCF-style: chr9-95468761-G-A. GRCh37 (hg19) VCF-style: chr9-98231043-G-A.
Other names: NC_000009.11:g.98231043G>A; c.2042C>T, p.Pro681Leu (NM_001083602.3); c.2237C>T, p.Pro746Leu (NM_001083603.3); c.1787C>T, p.Pro596Leu (NM_001083604.3, NM_001083605.3, NM_001083606.3 and 1 more transcripts); c.2084C>T, p.Pro695Leu (NM_001354918.2); short protein forms P746L, P596L, P681L, P695L, P747L.
Identifiers: ClinVar variation 3427311 (VCV003427311.2).
Genomic context (GRCh38, chr9:95,468,761, plus strand): 5'-TTCTGTTATTTTTTTGAAGACAGGAAGAGCCTTAAGTTGTGGCAGATTACCTTGGCTTTT[G>A]GTTTCAAGAGGAAAGGAGCATAGTGCTTCTCAGCAAAAGATGAGAGTGTCCACTTCGTAC-3'
Protein context (NP_000255.2, residues 737-757): EKHYAPFLLK[Pro747Leu]KAKVVVIFLF

ClinVar aggregate classification (germline): Uncertain significance (1 of 4 stars; one submission).

Conditions:
Hereditary cancer-predisposing syndrome. Also called: Neoplastic Syndromes, Hereditary; Tumor predisposition; Hereditary Cancer Syndrome; Hereditary neoplastic syndrome. Identifiers: Orphanet 140162, MedGen C0027672, MeSH D009386, MONDO:0015356.

Submissions (2):

Ambry Genetics
Classification: Uncertain significance for Hereditary cancer-predisposing syndrome. Last evaluated: 2024-10-28. Review status: criteria provided, single submitter. Criteria: Ambry Variant Classification Scheme 2023. Collection method: clinical testing. Allele origin: germline.
Comment: The p.P747L variant (also known as c.2240C>T), located in coding exon 14 of the PTCH1 gene, results from a C to T substitution at nucleotide position 2240. The proline at codon 747 is replaced by leucine, an amino acid with similar properties. This amino acid position is conserved. In addition, the in silico prediction for this alteration is inconclusive. Based on the available evidence, the clinical significance of this variant remains unclear.

Dr. Peter K. Rogan Lab, Western University
No classification provided (evidence only). Condition: Ovarian serous cystadenocarcinoma. Review status: no classification provided. Collection method: in vitro. Allele origin: not applicable. Functional consequence: retained intron. Not counted in ClinVar's aggregate classification.